The following is an entry in ClinVar:

ClinVar aggregate classification (germline): Uncertain significance (1 of 4 stars; one submission).

gnomAD v4.1: 1 of 1,614,206 alleles (0.000062%); highest among the groups gnomAD compares: Non-Finnish European, 0.000085%; no homozygotes.

Submission:

Ambry Genetics
Classification: Uncertain significance. Last evaluated: 2022-08-08. Review status: criteria provided, single submitter. Criteria: Ambry Variant Classification Scheme 2023. Collection method: clinical testing. Allele origin: germline.
Comment: The p.P359S variant (also known as c.1075C>T), located in coding exon 10 of the BUB1 gene, results from a C to T substitution at nucleotide position 1075. The proline at codon 359 is replaced by serine, an amino acid with similar properties. This amino acid position is conserved. In addition, this alteration is predicted to be tolerated by in silico analysis. Since supporting evidence is limited at this time, the clinical significance of this alteration remains unclear.

NM_004336.5(BUB1):c.1075C>T (p.Pro359Ser)

Gene: BUB1 (BUB1 mitotic checkpoint serine/threonine kinase; minus strand). Cytogenetic location: 2q13.
Variant type: single nucleotide variant.
Coding change: c.1075C>T on transcript NM_004336.5 (MANE Select); coding-DNA position 1075, C replaced by T.
Protein change: p.Pro359Ser; replaces proline 359 with serine.
Molecular consequence: missense variant.
Genome position (GRCh38, 1-based): chr2:110,661,724, G>A on the plus strand (C>T on the coding strand, the complement: BUB1 is on the minus strand). VCF-style: chr2-110661724-G-A. GRCh37 (hg19) VCF-style: chr2-111419301-G-A.
Other names: c.1015C>T, p.Pro339Ser (NM_001278616.2); c.1075C>T, p.Pro359Ser (NM_001278617.2); short protein forms P339S, P359S.
Identifiers: ClinVar variation 1784694 (VCV001784694.2), dbSNP rs1181369842, ClinGen allele CA348214461.